The following is an entry in ClinVar:

NC_000011.10:g.47338688G>C

Gene: MYBPC3 (myosin binding protein C3; minus strand). Cytogenetic location: 11p11.2.
Variant type: single nucleotide variant.
Genome position: GRCh38 VCF-style: chr11-47338688-G-C. GRCh37 (hg19) VCF-style: chr11-47360239-G-C.
Other names: c.2149-9C>G (NM_000256.3, LRG_386t1).
Identifiers: ClinVar variation 449067 (VCV000449067.14), dbSNP rs773882783, ClinGen allele CA658656162.

ClinVar aggregate classification (germline): Likely pathogenic. Review status: criteria provided, multiple submitters, no conflicts (2 of 4 stars). 3 submissions from 3 submitters: Likely pathogenic (2). 1 of the submissions does not count toward it. Last evaluated 2025-12-10.

Conditions:
Cardiovascular phenotype. Identifiers: MedGen CN230736.
Hypertrophic cardiomyopathy. Also called: HYPERTROPHIC MYOCARDIOPATHY. Identifiers: Orphanet 217569, MedGen C0007194, MeSH D002312, MONDO:0005045, HP:0001639.

Submissions (3):

Ambry Genetics
Classification: Likely pathogenic for Cardiovascular phenotype. Last evaluated: 2025-12-10. Review status: criteria provided, single submitter. Criteria: Ambry Variant Classification Scheme 2023. Collection method: clinical testing. Allele origin: germline.
Comment: The c.2149-9C>G intronic variant results from a C to G substitution 9 nucleotides upstream from coding exon 23 in the MYBPC3 gene. This variant has been observed in at least one individual with a personal and/or family history that is consistent with hypertrophic cardiomyopathy (Ambry internal data). This nucleotide position is poorly conserved in available vertebrate species. In silico splice site analysis predicts that this alteration will weaken the native splice acceptor site and will result in the creation or strengthening of a novel splice acceptor site. RNA studies have demonstrated that this alteration results in abnormal splicing in the set of samples tested (Ambry internal data). This variant is considered to be rare based on population cohorts in the Genome Aggregation Database (gnomAD). Based on the majority of available evidence to date, this variant is likely to be pathogenic.

Labcorp Genetics (formerly Invitae), Labcorp
Classification: Likely pathogenic for Hypertrophic cardiomyopathy. Last evaluated: 2024-09-30. Review status: criteria provided, single submitter. Criteria: Invitae Variant Classification Sherloc (09022015). Collection method: clinical testing. Allele origin: germline.
Comment: This sequence change falls in intron 22 of the MYBPC3 gene. It does not directly change the encoded amino acid sequence of the MYBPC3 protein. This variant is not present in population databases (gnomAD no frequency). This variant has been observed in individuals with hypertrophic cardiomyopathy (internal data). ClinVar contains an entry for this variant (Variation ID: 449067). Algorithms developed to predict the effect of sequence changes on RNA splicing suggest that this variant may disrupt the consensus splice site. In summary, the currently available evidence indicates that the variant is pathogenic, but additional data are needed to prove that conclusively. Therefore, this variant has been classified as Likely Pathogenic.

GeneDx
Classification: Uncertain significance. Last evaluated: 2016-02-11. Review status: flagged submission. Criteria: GeneDx Variant Classification (06012015). Collection method: clinical testing. Allele origin: germline. Affected: yes. Not counted in ClinVar's aggregate classification.
Comment: The c.2149-9 C>G variant has not been published as a pathogenic variant, nor has it been reported as a benign variant to our knowledge. In silico analysis using several splice algorithms predicts that c.2149-9 C>G creates a cryptic splice acceptor site and reduces or completely abolishes the downstream natural splice acceptor site. This variant is predicted to lead to either an abnormal message that is subject to nonsense-mediated mRNA decay, or to an abnormal protein product if the message is used for protein translation. The c.2149-9 C>G variant was not observed in approximately 6,200 individuals of European and African American ancestry in the NHLBI Exome Sequencing Project, indicating it is not a common benign variant in these populations. Furthermore, other splice site variants, two of which affect the same splice acceptor site (c.2149-80 G>A, c.2149-3C>G), have been reported in the Human Gene Mutation Database in association with cardiomyopathy (Stenson et al., 2014).Therefore, based on the currently available information, it is unclear whether this variant is a pathogenic variant or a rare benign variant
ClinVar note: Reason: Older claim that does not account for recent evidence